The following is an entry in ClinVar:

ClinVar aggregate classification (germline): Conflicting classifications of pathogenicity. Review status: criteria provided, conflicting classifications (1 of 4 stars). 4 submissions from 4 submitters: Uncertain significance (3); Likely benign (1). Last evaluated 2025-12-30.

Conditions:
ADGRV1-related disorder. Also called: ADGRV1-related disorders; ADGRV1-related condition.
Inborn genetic diseases. Identifiers: MedGen C0950123, MeSH D030342.

Allele frequency attached by ClinVar (database versions not stated): TOPMed 0.00008; ESP Exome Variant Server 0.00008.
gnomAD v4.1: 119 of 1,613,776 alleles (0.0074%); highest among the groups gnomAD compares: Non-Finnish European, 0.0091%; no homozygotes.

Submissions (4):

Labcorp Genetics (formerly Invitae), Labcorp
Classification: Likely benign. Last evaluated: 2025-12-30. Review status: criteria provided, single submitter. Criteria: Invitae Variant Classification Sherloc (09022015). Collection method: clinical testing. Allele origin: germline.

PreventionGenetics, part of Exact Sciences
Classification: Uncertain significance for ADGRV1-related condition. Last evaluated: 2025-11-25. Review status: criteria provided, single submitter. Criteria: ACMG Guidelines, 2015. Collection method: clinical testing. Allele origin: germline.
Comment: The ADGRV1 c.5186A>G variant is predicted to result in the amino acid substitution p.His1729Arg. To our knowledge, this variant has not been reported in the literature. This variant is reported in 0.0070% of alleles in individuals of European (Non-Finnish) descent in gnomAD. At this time, the clinical significance of this variant is uncertain due to the absence of conclusive functional and genetic evidence.

Ambry Genetics
Classification: Uncertain significance for Inborn genetic diseases. Last evaluated: 2024-04-23. Review status: criteria provided, single submitter. Criteria: Ambry Variant Classification Scheme 2023. Collection method: clinical testing. Allele origin: germline.

Blueprint Genetics
Classification: Uncertain significance. Last evaluated: 2023-12-08. Review status: criteria provided, single submitter. Criteria: ACMG Guidelines, 2015. Collection method: clinical testing. Allele origin: germline.

NM_032119.4(ADGRV1):c.5186A>G (p.His1729Arg)

Gene: ADGRV1 (adhesion G protein-coupled receptor V1; plus strand). Cytogenetic location: 5q14.3.
Variant type: single nucleotide variant.
Coding change: c.5186A>G on transcript NM_032119.4 (MANE Select); coding-DNA position 5186, A replaced by G.
Protein change: p.His1729Arg; replaces histidine 1729 with arginine.
Molecular consequence: missense variant. On other transcripts: non-coding transcript variant (1).
Genome position (GRCh38, 1-based): chr5:90,675,318, A>G. VCF-style: chr5-90675318-A-G. GRCh37 (hg19) VCF-style: chr5-89971135-A-G.
Other names: short protein forms H1729R.
Identifiers: ClinVar variation 966054 (VCV000966054.12), dbSNP rs375786151, ClinGen allele CA3339513.
Genomic context (GRCh38, chr5:90,675,318, plus strand): 5'-CCACAGGGCTGCCTCCTCAGCCTAAGGACGCAATGACCCTGCCTGCAAGCAGCGTTCCAC[A>G]TATCACTGTGGAGGAGGAAGATGGAGAAATCAGGTTATTGGTCATCCGTGCACAGGGACT-3'
Protein context (NP_115495.3, residues 1719-1739): AMTLPASSVP[His1729Arg]ITVEEEDGEI